The following is an entry in ClinVar:

NM_000069.3(CACNA1S):c.3680G>A (p.Ser1227Asn)

Gene: CACNA1S (calcium voltage-gated channel subunit alpha1 S; minus strand). Cytogenetic location: 1q32.1.
Variant type: single nucleotide variant.
Coding change: c.3680G>A on transcript NM_000069.3 (MANE Select); coding-DNA position 3680, G replaced by A.
Protein change: p.Ser1227Asn; replaces serine 1227 with asparagine.
Molecular consequence: missense variant.
Genome position (GRCh38, 1-based): chr1:201,053,574, C>T on the plus strand (G>A on the coding strand, the complement: CACNA1S is on the minus strand). VCF-style: chr1-201053574-C-T. GRCh37 (hg19) VCF-style: chr1-201022702-C-T.
Other names: short protein forms S1227N.
Identifiers: ClinVar variation 2924380 (VCV002924380.5), dbSNP rs745672876, ClinGen allele CA082748.

ClinVar aggregate classification (germline): Conflicting classifications of pathogenicity. Review status: criteria provided, conflicting classifications (1 of 4 stars). 3 submissions from 3 submitters: Uncertain significance (2); Likely benign (1). Last evaluated 2023-10-06.

Conditions:
Malignant hyperthermia, susceptibility to, 5 (MHS5). Also called: CACNA1S-Related Malignant Hyperthermia Susceptibility. Identifiers: Orphanet 423, MedGen C1866077, MONDO:0011163, OMIM 601887.
Hypokalemic periodic paralysis, type 1. Also called: Hypokalemic Periodic Paralysis Type 1 (AD); HypoPP. Identifiers: Orphanet 681, MedGen C3714580, MONDO:0042979, OMIM 170400.

Allele frequency attached by ClinVar (database versions not stated): gnomAD 0.00002; TOPMed 0.00002; ExAC 0.00005.
gnomAD v4.1: 23 of 1,613,868 alleles (0.0014%); highest among the groups gnomAD compares: South Asian, 0.0044%; no homozygotes.

Submissions (3):

All of Us Research Program, National Institutes of Health
Classification: Uncertain significance for Malignant hyperthermia, susceptibility to, 5. Last evaluated: 2023-10-06. Review status: criteria provided, single submitter. Criteria: ACMG Guidelines, 2015. Collection method: clinical testing. Allele origin: germline. Inheritance: Autosomal dominant inheritance. Observed: 1 variant allele, 1 heterozygote.
Comment: This missense variant replaces serine with asparagine at codon 1227 of the CACNA1S protein. Computational prediction suggests that this variant may not impact protein structure and function (internally defined REVEL score threshold <= 0.5, PMID: 27666373). To our knowledge, functional studies have not been reported for this variant. This variant has not been reported in individuals affected with CACNA1S-related disorders in the literature. This variant has been identified in 7/250482 chromosomes in the general population by the Genome Aggregation Database (gnomAD). The available evidence is insufficient to determine the role of this variant in disease conclusively. Therefore, this variant is classified as a Variant of Uncertain Significance.

This study involves interpretation of variants in research participants for the purpose of population health screening. Participant phenotype was not available at the time of variant classification. Additional details can be found in publication PMID: 35346344, PMCID: PMC8962531

Color Diagnostics, LLC DBA Color Health
Classification: Uncertain significance for Malignant hyperthermia, susceptibility to, 5. Last evaluated: 2023-09-20. Review status: criteria provided, single submitter. Criteria: ACMG Guidelines, 2015. Collection method: clinical testing. Allele origin: germline.
Comment: This missense variant replaces serine with asparagine at codon 1227 of the CACNA1S protein. Computational prediction suggests that this variant may not impact protein structure and function. To our knowledge, functional studies have not been reported for this variant. This variant has not been reported in individuals affected with CACNA1S-related disorders in the literature. This variant has been identified in 7/250482 chromosomes in the general population by the Genome Aggregation Database (gnomAD). The available evidence is insufficient to determine the role of this variant in disease conclusively. Therefore, this variant is classified as a Variant of Uncertain Significance.

Labcorp Genetics (formerly Invitae), Labcorp
Classification: Likely benign for Hypokalemic periodic paralysis, type 1; Malignant hyperthermia, susceptibility to, 5. Last evaluated: 2023-02-16. Review status: criteria provided, single submitter. Criteria: Invitae Variant Classification Sherloc (09022015). Collection method: clinical testing. Allele origin: germline.